The following is an entry in ClinVar:

ClinVar aggregate classification (germline): Uncertain significance (1 of 4 stars; one submission).

Conditions:
Progressive sclerosing poliodystrophy (MTDPS4A). Also called: ALPERS PROGRESSIVE INFANTILE POLIODYSTROPHY; NEURONAL DEGENERATION OF CHILDHOOD WITH LIVER DISEASE, PROGRESSIVE; Alpers Syndrome; ALPERS DIFFUSE DEGENERATION OF CEREBRAL GRAY MATTER WITH HEPATIC CIRRHOSIS; Alpers-Huttenlocher Syndrome; Mitochondrial DNA Depletion Syndrome 4A. Identifiers: Orphanet 726, MedGen C0205710, MONDO:0008758, OMIM 203700.

gnomAD v4.1: 2 of 1,612,754 alleles (0.00012%); highest among the groups gnomAD compares: Non-Finnish European, 0.00017%; no homozygotes.

Submission:

Labcorp Genetics (formerly Invitae), Labcorp
Classification: Uncertain significance for Progressive sclerosing poliodystrophy. Last evaluated: 2023-09-04. Review status: criteria provided, single submitter. Criteria: Invitae Variant Classification Sherloc (09022015). Collection method: clinical testing. Allele origin: germline.
Comment: This variant has not been reported in the literature in individuals affected with POLG-related conditions. In summary, the available evidence is currently insufficient to determine the role of this variant in disease. Therefore, it has been classified as a Variant of Uncertain Significance. Advanced modeling of protein sequence and biophysical properties (such as structural, functional, and spatial information, amino acid conservation, physicochemical variation, residue mobility, and thermodynamic stability) performed at Invitae indicates that this missense variant is expected to disrupt POLG protein function. This variant is not present in population databases (gnomAD no frequency). This sequence change replaces proline, which is neutral and non-polar, with leucine, which is neutral and non-polar, at codon 73 of the POLG protein (p.Pro73Leu).

NM_002693.3(POLG):c.218C>T (p.Pro73Leu)

Genes: POLG (DNA polymerase gamma, catalytic subunit; minus strand), POLGARF (POLG alternative reading frame; minus strand). Cytogenetic location: 15q26.1.
Variant type: single nucleotide variant.
Coding change: c.218C>T on transcript NM_002693.3 (MANE Select); coding-DNA position 218, C replaced by T.
Protein change: p.Pro73Leu; replaces proline 73 with leucine.
Molecular consequence: missense variant.
Genome position (GRCh38, 1-based): chr15:89,333,537, G>A on the plus strand (C>T on the coding strand, the complement: POLG is on the minus strand). VCF-style: chr15-89333537-G-A. GRCh37 (hg19) VCF-style: chr15-89876768-G-A.
Other names: c.218C>T, p.Pro73Leu (NM_001126131.2); short protein forms P73L.
Identifiers: ClinVar variation 2795211 (VCV002795211.3), dbSNP rs199760610, ClinGen allele CA274566286.